The following is an entry in ClinVar:

NM_025132.4(WDR19):c.2378A>C (p.Asn793Thr)

Gene: WDR19 (WD repeat domain 19; plus strand). Cytogenetic location: 4p14.
Variant type: single nucleotide variant.
Coding change: c.2378A>C on transcript NM_025132.4 (MANE Select); coding-DNA position 2378, A replaced by C.
Protein change: p.Asn793Thr; replaces asparagine 793 with threonine.
Molecular consequence: missense variant.
Genome position (GRCh38, 1-based): chr4:39,240,291, A>C. VCF-style: chr4-39240291-A-C. GRCh37 (hg19) VCF-style: chr4-39241911-A-C.
Other names: c.1898A>C, p.Asn633Thr (NM_001317924.2); c.2378A>C (NM_025132.3); short protein forms N633T, N793T.
Identifiers: ClinVar variation 3388748 (VCV003388748.15).

ClinVar aggregate classification (germline): Uncertain significance. Review status: criteria provided, multiple submitters, no conflicts (2 of 4 stars). 2 submissions from 2 submitters: Uncertain significance (2). Last evaluated 2025-02-12.

Conditions:
Inborn genetic diseases. Identifiers: MedGen C0950123, MeSH D030342.

gnomAD v4.1: 20 of 1,417,078 alleles (0.0014%); highest among the groups gnomAD compares: Non-Finnish European, 0.0018%; no homozygotes.

Submissions (2):

Ambry Genetics
Classification: Uncertain significance for Inborn genetic diseases. Last evaluated: 2025-02-12. Review status: criteria provided, single submitter. Criteria: Ambry Variant Classification Scheme 2023. Collection method: clinical testing. Allele origin: germline.

CeGaT Center for Human Genetics Tuebingen
Classification: Uncertain significance. Last evaluated: 2024-11-01. Review status: criteria provided, single submitter. Criteria: CeGaT Center For Human Genetics Tuebingen Variant Classification Criteria Version 2. Collection method: clinical testing. Allele origin: germline. Affected: yes. Observed: 1 variant allele.
Comment: WDR19: PM2